The following is an entry in ClinVar:

NM_015915.5(ATL1):c.1638G>C (p.Lys546Asn)

Gene: ATL1 (atlastin GTPase 1; plus strand). Cytogenetic location: 14q22.1.
Variant type: single nucleotide variant.
Coding change: c.1638G>C on transcript NM_015915.5 (MANE Select); coding-DNA position 1638, G replaced by C.
Protein change: p.Lys546Asn; replaces lysine 546 with asparagine.
Molecular consequence: missense variant.
Genome position (GRCh38, 1-based): chr14:50,632,300, G>C. VCF-style: chr14-50632300-G-C. GRCh37 (hg19) VCF-style: chr14-51099018-G-C.
Other names: c.1623G>C, p.Lys541Asn (NM_001127713.1, NM_181598.4); short protein forms K541N, K546N.
Identifiers: ClinVar variation 1038195 (VCV001038195.8), dbSNP rs141471168, ClinGen allele CA389678920.

ClinVar aggregate classification (germline): Uncertain significance (1 of 4 stars; one submission).

Conditions:
Hereditary spastic paraplegia 3A (SPG3A). Also called: Spastic paraplegia 3A, autosomal dominant; SPASTIC PARAPLEGIA 3, AUTOSOMAL DOMINANT; FAMILIAL SPASTIC PARAPLEGIA, AUTOSOMAL DOMINANT, 1; SPG3; STRUMPELL DISEASE; Spastic Paraplegia 3A. Identifiers: Orphanet 100984, MedGen C2931355, MONDO:0008437, OMIM 182600.

Submission:

Labcorp Genetics (formerly Invitae), Labcorp
Classification: Uncertain significance for Hereditary spastic paraplegia 3A. Last evaluated: 2021-04-02. Review status: criteria provided, single submitter. Criteria: Invitae Variant Classification Sherloc (09022015). Collection method: clinical testing. Allele origin: germline.
Comment: This sequence change replaces lysine with asparagine at codon 546 of the ATL1 protein (p.Lys546Asn). The lysine residue is moderately conserved and there is a moderate physicochemical difference between lysine and asparagine. In summary, this variant is a novel missense change that is not predicted to affect protein function. There is no indication that it causes disease, but the available evidence is currently insufficient to prove that conclusively. Therefore, it has been classified as a Variant of Uncertain Significance. Algorithms developed to predict the effect of missense changes on protein structure and function (SIFT, PolyPhen-2, Align-GVGD) all suggest that this variant is likely to be tolerated, but these predictions have not been confirmed by published functional studies. This variant is not present in population databases (ExAC no frequency) and has not been reported in the literature in individuals with an ATL1-related disease.